The following is an entry in ClinVar:

ClinVar aggregate classification (germline): Likely benign. Review status: criteria provided, multiple submitters, no conflicts (2 of 4 stars). 4 submissions from 4 submitters: Likely benign (2). 2 of the submissions do not count toward it. Last evaluated 2024-11-18.

Conditions:
PRKCG-related disorder. Also called: PRKCG-related condition.

Allele frequency attached by ClinVar (database versions not stated): ExAC below 0.00001; TOPMed 0.00001; gnomAD 0.00002; gnomAD exomes 0.00003 and 0.00004.
gnomAD v4.1: 56 of 1,574,982 alleles (0.0036%); highest among the groups gnomAD compares: Non-Finnish European, 0.0048%; no homozygotes.

Submissions (4):

Blueprint Genetics
Classification: Likely benign. Last evaluated: 2024-11-18. Review status: criteria provided, single submitter. Criteria: ACMG Guidelines, 2015. Collection method: clinical testing. Allele origin: germline.

Athena Diagnostics
Classification: Likely benign. Last evaluated: 2018-01-26. Review status: criteria provided, single submitter. Criteria: Athena Diagnostics Criteria. Collection method: clinical testing. Allele origin: germline.

PreventionGenetics, part of Exact Sciences
Classification: Likely benign for PRKCG-related condition. Last evaluated: 2020-02-14. Review status: no assertion criteria provided. Collection method: clinical testing. Allele origin: germline. Not counted in ClinVar's aggregate classification.
Comment: This variant is classified as likely benign based on ACMG/AMP sequence variant interpretation guidelines (Richards et al. 2015 PMID: 25741868, with internal and published modifications).

Psychiatry Genetics Yale University
No classification provided. Review status: no classification provided. Collection method: not provided. Allele origin: not provided. Not counted in ClinVar's aggregate classification.

NM_002739.5(PRKCG):c.1899C>T (p.Pro633=)

Gene: PRKCG (protein kinase C gamma; plus strand). Cytogenetic location: 19q13.42.
Variant type: single nucleotide variant.
Coding change: c.1899C>T on transcript NM_002739.5 (MANE Select); coding-DNA position 1899, C replaced by T.
Protein change: p.Pro633=; no amino-acid change (proline 633 retained).
Molecular consequence: synonymous variant.
Genome position (GRCh38, 1-based): chr19:53,906,451, C>T. VCF-style: chr19-53906451-C-T. GRCh37 (hg19) VCF-style: chr19-54409705-C-T.
Other names: c.1899C>T (NM_002739.4); c.1899C>T, p.Pro633= (NM_001316329.2).
Identifiers: ClinVar variation 98521 (VCV000098521.5), dbSNP rs367543219, ClinGen allele CA226005.
Genomic context (GRCh38, chr19:53,906,451, plus strand): 5'-TTTCCGCTGGATTGACTGGGAGCGGCTGGAACGATTGGAGATCCCGCCTCCTTTCAGACC[C>T]CGCCCGGTCAGTCACCCTCCAGGCAACAAAAACCTGGTCCCTGAAGGGGTGGGGTTCCCC-3'
Protein context (NP_002730.1, residues 623-643): ERLEIPPPFR[Pro633=]RPCGRSGENF